The following is an entry in ClinVar:

NM_025114.4(CEP290):c.6624del (p.Arg2208fs)

Gene: CEP290 (centrosomal protein 290; minus strand). Cytogenetic location: 12q21.32.
Variant type: Deletion.
Coding change: c.6624del on transcript NM_025114.4 (MANE Select); coding-DNA position 6624, one base deleted (G; older notation c.6624delG).
Protein change: p.Arg2208fs; shifts the reading frame from arginine 2208.
Molecular consequence: frameshift variant.
Genome position (GRCh38, 1-based): chr12:88,059,919, C deleted on the plus strand (G on the coding strand, the reverse complement: CEP290 is on the minus strand); the first of 2 consecutive C bases (chr12:88,059,919-88,059,920); deleting either gives the same sequence. VCF-style (leftmost placement, unchanged base first): chr12-88059918-GC-G. GRCh37 (hg19) VCF-style: chr12-88453695-GC-G.
Other names: short protein forms R2208fs.
Identifiers: ClinVar variation 1070783 (VCV001070783.9), dbSNP rs2136725569, ClinGen allele CA2499221864.
Genomic context (GRCh38, chr12:88,059,918, plus strand): 5'-AATAAAAATCAAAAGTTATAATCAGTCATAAAAGTCATACTTTTTTAAGTTCTTTACGAA[GC>G]CTTTCATTTTCAGCAATAATTTTTTCTGTGCCTTTGGTCTTGGATTCATAGTGCATGCTC-3'

ClinVar aggregate classification (germline): Pathogenic/Likely pathogenic. Review status: criteria provided, multiple submitters, no conflicts (2 of 4 stars). 3 submissions from 3 submitters: Pathogenic (2); Likely pathogenic (1). Last evaluated 2025-05-08.

Conditions:
Bardet-Biedl syndrome 14 (BBS14). Identifiers: Orphanet 110, MedGen C2673874, MONDO:0014442, OMIM 615991.
CEP290-related ciliopathy. Also called: CEP290 ciliopathy. Identifiers: MedGen CN305601, MONDO:0100451.
Meckel-Gruber syndrome. Also called: DYSENCEPHALIA SPLANCHNOCYSTICA; Dysencephalia splachnocystica; GRUBER SYNDROME. Identifiers: Orphanet 564, MedGen C0265215, MONDO:0018921.
Joubert syndrome. Also called: JOUBERT-BOLTSHAUSER SYNDROME; Familial aplasia of the vermis. Identifiers: Orphanet 475, MedGen C5979921, MONDO:0018772.
Nephronophthisis. Also called: Juvenile Nephronophthisis. Identifiers: Orphanet 655, MedGen C0687120, MONDO:0019005, HP:0000090.

Submissions (3):

Myriad Genetics, Inc.
Classification: Pathogenic for CEP290-related ciliopathy. Last evaluated: 2025-05-08. Review status: criteria provided, single submitter. Criteria: Myriad Autosomal Dominant, Autosomal Recessive and X-Linked Classification Criteria (2023). Collection method: clinical testing. Allele origin: unknown.
Comment: NM_025114.3(CEP290):c.6624delG(R2208Sfs*18) is expected to be pathogenic in the context of CEP290-related disorders. This variant is predicted to lead to an abnormal or absent protein product due to the creation of a premature termination codon in CEP290, a gene where loss-of-function variants are known to be pathogenic. Please note: this variant was assessed in the context of healthy population screening.

Baylor Genetics
Classification: Likely pathogenic for Bardet-Biedl syndrome 14. Last evaluated: 2023-09-15. Review status: criteria provided, single submitter. Criteria: ACMG Guidelines, 2015. Collection method: clinical testing. Allele origin: unknown.

Labcorp Genetics (formerly Invitae), Labcorp
Classification: Pathogenic for Joubert syndrome; Meckel-Gruber syndrome; Nephronophthisis. Last evaluated: 2023-01-10. Review status: criteria provided, single submitter. Criteria: Invitae Variant Classification Sherloc (09022015). Collection method: clinical testing. Allele origin: germline.
Comment: This variant is not present in population databases (gnomAD no frequency). This sequence change creates a premature translational stop signal (p.Arg2208Serfs*18) in the CEP290 gene. It is expected to result in an absent or disrupted protein product. Loss-of-function variants in CEP290 are known to be pathogenic (PMID: 16909394, 17345604, 20690115). This variant has not been reported in the literature in individuals affected with CEP290-related conditions. For these reasons, this variant has been classified as Pathogenic. ClinVar contains an entry for this variant (Variation ID: 1070783).

Literature cited by the submitters: PubMed 16909394 (cited by Labcorp Genetics (formerly Invitae), Labcorp); PubMed 17345604 (cited by Labcorp Genetics (formerly Invitae), Labcorp); PubMed 20690115 (cited by Labcorp Genetics (formerly Invitae), Labcorp).